The following is an entry in ClinVar:

ClinVar aggregate classification (germline): Uncertain significance (1 of 4 stars; one submission).

Conditions:
Familial hypocalciuric hypercalcemia (FHH). Also called: Familial benign hypercalcemia. Identifiers: Orphanet 405, MedGen C1809471, MONDO:0018458.
Autosomal dominant hypocalcemia 1 (HYPOC1). Also called: HYPOCALCEMIA, FAMILIAL. Identifiers: MedGen C3715128, MONDO:0011013, OMIM 601198.

Submission:

Labcorp Genetics (formerly Invitae), Labcorp
Classification: Uncertain significance for Familial hypocalciuric hypercalcemia; Autosomal dominant hypocalcemia 1. Last evaluated: 2021-08-09. Review status: criteria provided, single submitter. Criteria: Invitae Variant Classification Sherloc (09022015). Collection method: clinical testing. Allele origin: germline.
Comment: This sequence change replaces phenylalanine with leucine at codon 183 of the CASR protein (p.Phe183Leu). The phenylalanine residue is highly conserved and there is a small physicochemical difference between phenylalanine and leucine. This variant is not present in population databases (ExAC no frequency). This missense change has been observed in individual(s) with familial hypocalciuric hypercalcemia (PMID: 26963950). Algorithms developed to predict the effect of missense changes on protein structure and function are either unavailable or do not agree on the potential impact of this missense change (SIFT: "Deleterious"; PolyPhen-2: "Probably Damaging"; Align-GVGD: "Class C15"). In summary, the available evidence is currently insufficient to determine the role of this variant in disease. Therefore, it has been classified as a Variant of Uncertain Significance.

Literature cited by the submitters: PubMed 26963950.

NM_000388.4(CASR):c.549C>G (p.Phe183Leu)

Gene: CASR (calcium sensing receptor; plus strand). Cytogenetic location: 3q21.1.
Variant type: single nucleotide variant.
Coding change: c.549C>G on transcript NM_000388.4 (MANE Select); coding-DNA position 549, C replaced by G.
Protein change: p.Phe183Leu; replaces phenylalanine 183 with leucine.
Molecular consequence: missense variant.
Genome position (GRCh38, 1-based): chr3:122,261,584, C>G. VCF-style: chr3-122261584-C-G. GRCh37 (hg19) VCF-style: chr3-121980431-C-G.
Other names: c.549C>G, p.Phe183Leu (NM_001178065.2); short protein forms F183L.
Identifiers: ClinVar variation 1373811 (VCV001373811.6), dbSNP rs779857648, ClinGen allele CA354150828.
Genomic context (GRCh38, chr3:122,261,584, plus strand): 5'-CCAGGTCAGTTATGCCTCCTCCAGCAGACTCCTCAGCAACAAGAATCAATTCAAGTCTTT[C>G]CTCCGAACCATCCCCAATGATGAGCACCAGGCCACTGCCATGGCAGACATCATCGAGTAT-3'
Protein context (NP_000379.3, residues 173-193): LLSNKNQFKS[Phe183Leu]LRTIPNDEHQ